The following is an entry in ClinVar:

ClinVar aggregate classification (germline): Likely pathogenic. Review status: criteria provided, multiple submitters, no conflicts (2 of 4 stars). 4 submissions from 4 submitters: Likely pathogenic (4). Last evaluated 2026-03-03.

Conditions:
Hereditary cancer-predisposing syndrome. Also called: Hereditary neoplastic syndrome; Hereditary Cancer Syndrome; Neoplastic Syndromes, Hereditary; Tumor predisposition. Identifiers: Orphanet 140162, MedGen C0027672, MeSH D009386, MONDO:0015356.
Familial adenomatous polyposis 2. Also called: MYH-associated polyposis; COLORECTAL ADENOMATOUS POLYPOSIS, AUTOSOMAL RECESSIVE; ADENOMAS, MULTIPLE COLORECTAL, AUTOSOMAL RECESSIVE; MUTYH-related attenuated familial adenomatous polyposis; Adenomas, multiple colorectal; FAP type 2. Identifiers: Orphanet 220460, Orphanet 247798, MedGen C3272841, MONDO:0012041, OMIM 608456.

Submissions (4):

Myriad Genetics, Inc.
Classification: Likely pathogenic for Familial adenomatous polyposis 2. Last evaluated: 2026-03-03. Review status: criteria provided, single submitter. Criteria: Myriad Autosomal Dominant, Autosomal Recessive and X-Linked Classification Criteria (2023). Collection method: clinical testing. Allele origin: unknown.
Comment: This variant is considered likely pathogenic. This variant occurs within a consensus splice junction and is predicted to result in abnormal mRNA splicing of either an out-of-frame exon or an in-frame exon necessary for protein stability and/or normal function.

Labcorp Genetics (formerly Invitae), Labcorp
Classification: Likely pathogenic for Familial adenomatous polyposis 2. Last evaluated: 2025-10-23. Review status: criteria provided, single submitter. Criteria: Invitae Variant Classification Sherloc (09022015). Collection method: clinical testing. Allele origin: germline.
Comment: This sequence change affects a donor splice site in intron 5 of the MUTYH gene. It is expected to disrupt RNA splicing. Variants that disrupt the donor or acceptor splice site typically lead to a loss of protein function (PMID: 16199547), and loss-of-function variants in MUTYH are known to be pathogenic (PMID: 18534194, 20663686). This variant is not present in population databases (gnomAD no frequency). This variant has not been reported in the literature in individuals affected with MUTYH-related conditions. ClinVar contains an entry for this variant (Variation ID: 485893). Algorithms developed to predict the effect of sequence changes on RNA splicing suggest that this variant may disrupt the consensus splice site. In summary, the currently available evidence indicates that the variant is pathogenic, but additional data are needed to prove that conclusively. Therefore, this variant has been classified as Likely Pathogenic.

Baylor Genetics
Classification: Likely pathogenic for Familial adenomatous polyposis 2. Last evaluated: 2024-01-24. Review status: criteria provided, single submitter. Criteria: ACMG Guidelines, 2015. Collection method: clinical testing. Allele origin: unknown.

Ambry Genetics
Classification: Likely pathogenic for Hereditary cancer-predisposing syndrome. Last evaluated: 2019-12-03. Review status: criteria provided, single submitter. Criteria: Ambry Variant Classification Scheme 2023. Collection method: clinical testing. Allele origin: germline.
Comment: The c.462+2T>G intronic variant results from a T to G substitution two nucleotides after coding exon 5 in the MUTYH gene. This nucleotide position is highly conserved in available vertebrate species. Using the BDGP and ESEfinder splice site prediction tools, this alteration is predicted to abolish the native splice donor site; however, direct evidence is unavailable. Alterations that disrupt the canonical splice site are expected to cause aberrant splicing, resulting in an abnormal protein or a transcript that is subject to nonsense-mediated mRNA decay. As such, this alteration is classified as likely pathogenic.

Literature cited by the submitters: PubMed 16199547 (cited by Labcorp Genetics (formerly Invitae), Labcorp); PubMed 18534194 (cited by Labcorp Genetics (formerly Invitae), Labcorp); PubMed 20663686 (cited by Labcorp Genetics (formerly Invitae), Labcorp).

NM_001048174.2(MUTYH):c.378+2T>G

Gene: MUTYH (mutY DNA glycosylase; minus strand). Cytogenetic location: 1p34.1.
Variant type: single nucleotide variant.
Coding change: c.378+2T>G on transcript NM_001048174.2 (MANE Select); the canonical splice donor site of the intron after coding-DNA position 378, T replaced by G.
Molecular consequence: splice donor variant. On other transcripts: intron variant (3).
Genome position (GRCh38, 1-based): chr1:45,333,095, A>C on the plus strand (T>G on the coding strand, the complement: MUTYH is on the minus strand). VCF-style: chr1-45333095-A-C. GRCh37 (hg19) VCF-style: chr1-45798767-A-C.
Other names: c.378+2T>G (NM_001407072.1, NM_001048171.2, NM_001407070.1 and 6 more transcripts); c.34-136T>G (NM_001350651.2, NM_001350650.2, NM_001407082.1); c.102+2T>G (NM_001293192.2, NM_001293196.2, NM_001407091.1); c.420+2T>G (NM_001407073.1, NM_001407083.1, NM_001407085.1); c.423+2T>G (NM_001293190.2); c.453+2T>G (NM_001407069.1, NM_012222.3); c.462+2T>G (NM_001128425.2); c.381+2T>G (NM_001407071.1, NM_001407079.1, NM_001048172.2 and 2 more transcripts); and 3 more.
Identifiers: ClinVar variation 485893 (VCV000485893.15), dbSNP rs1553129521, ClinGen allele CA340136052.
Genomic context (GRCh38, chr1:45,333,095, plus strand): 5'-CAAAGTAGAGGCTCTCATCTGGGGTCTGACCCATGACCCTTCCCTTCCTCCCCTGGAGTC[A>C]CCTGCATCCATCCGGTATAGTAGTTGATCACAGTGGCAACCTGGGTCTGCTGCAGCATGA-3'